The following is an entry in ClinVar:

NM_001128.6(AP1G1):c.2324C>T (p.Thr775Met)

Gene: AP1G1 (adaptor related protein complex 1 subunit gamma 1; minus strand). Cytogenetic location: 16q22.2.
Variant type: single nucleotide variant.
Coding change: c.2324C>T on transcript NM_001128.6 (MANE Select); coding-DNA position 2324, C replaced by T.
Protein change: p.Thr775Met; replaces threonine 775 with methionine.
Molecular consequence: missense variant.
Genome position (GRCh38, 1-based): chr16:71,734,652, G>A on the plus strand (C>T on the coding strand, the complement: AP1G1 is on the minus strand). VCF-style: chr16-71734652-G-A. GRCh37 (hg19) VCF-style: chr16-71768555-G-A.
Other names: c.2333C>T, p.Thr778Met (NM_001030007.2); short protein forms T775M, T778M.
Identifiers: ClinVar variation 3251756 (VCV003251756.1), dbSNP rs754266370.

ClinVar aggregate classification (germline): Uncertain significance (1 of 4 stars; one submission).

Allele frequency attached by ClinVar (database versions not stated): gnomAD exomes below 0.00001; ExAC 0.00001.

Submission:

Women's Health and Genetics/Laboratory Corporation of America, LabCorp
Classification: Uncertain significance. Last evaluated: 2024-04-23. Review status: criteria provided, single submitter. Criteria: LabCorp Variant Classification Summary - May 2015. Collection method: clinical testing. Allele origin: germline.
Comment: Variant summary: AP1G1 c.2333C>T (p.Thr778Met) results in a non-conservative amino acid change located in the clathrin adaptor, alpha/beta/gamma-adaptin, appendage, Ig-like subdomain (IPR008152) of the encoded protein sequence. Three of five in-silico tools predict a benign effect of the variant on protein function. The variant allele was found at a frequency of 4e-06 in 251478 control chromosomes. The available data on variant occurrences in the general population are insufficient to allow any conclusion about variant significance. To our knowledge, no occurrence of c.2333C>T in individuals affected with AP1G1-related conditions and no experimental evidence demonstrating its impact on protein function have been reported. No submitters have cited clinical-significance assessments for this variant to ClinVar. Based on the evidence outlined above, the variant was classified as uncertain significance.